The following is an entry in ClinVar:

ClinVar aggregate classification (germline): Uncertain significance (1 of 4 stars; one submission).

Conditions:
Joubert syndrome. Also called: CEREBELLOPARENCHYMAL DISORDER IV; JOUBERT-BOLTSHAUSER SYNDROME; Familial aplasia of the vermis. Identifiers: Orphanet 475, MedGen C5979921, MONDO:0018772.
Meckel-Gruber syndrome. Also called: DYSENCEPHALIA SPLANCHNOCYSTICA; GRUBER SYNDROME; Dysencephalia splachnocystica. Identifiers: Orphanet 564, MedGen C0265215, MONDO:0018921.

Allele frequency attached by ClinVar (database versions not stated): TOPMed below 0.00001; ExAC 0.00001; gnomAD exomes 0.00001.

Submission:

Labcorp Genetics (formerly Invitae), Labcorp
Classification: Uncertain significance for Joubert syndrome; Meckel-Gruber syndrome. Last evaluated: 2021-12-27. Review status: criteria provided, single submitter. Criteria: Invitae Variant Classification Sherloc (09022015). Collection method: clinical testing. Allele origin: germline.
Comment: In summary, the available evidence is currently insufficient to determine the role of this variant in disease. Therefore, it has been classified as a Variant of Uncertain Significance. Algorithms developed to predict the effect of missense changes on protein structure and function (SIFT, PolyPhen-2, Align-GVGD) all suggest that this variant is likely to be tolerated. This variant has not been reported in the literature in individuals affected with TCTN2-related conditions. This variant is present in population databases (rs764400246, gnomAD 0.0009%). This sequence change replaces proline, which is neutral and non-polar, with leucine, which is neutral and non-polar, at codon 117 of the TCTN2 protein (p.Pro117Leu).

NM_024809.5(TCTN2):c.350C>T (p.Pro117Leu)

Gene: TCTN2 (tectonic family member 2; plus strand). Cytogenetic location: 12q24.31.
Variant type: single nucleotide variant.
Coding change: c.350C>T on transcript NM_024809.5 (MANE Select); coding-DNA position 350, C replaced by T.
Protein change: p.Pro117Leu; replaces proline 117 with leucine.
Molecular consequence: missense variant.
Genome position (GRCh38, 1-based): chr12:123,673,697, C>T. VCF-style: chr12-123673697-C-T. GRCh37 (hg19) VCF-style: chr12-124158244-C-T.
Other names: c.347C>T, p.Pro116Leu (NM_001143850.3); c.350C>T, p.Pro117Leu (NM_001410989.1); short protein forms P116L, P117L.
Identifiers: ClinVar variation 2085374 (VCV002085374.2), dbSNP rs764400246, ClinGen allele CA6860876.